The following is an entry in ClinVar:

NM_002439.5(MSH3):c.424dup (p.Cys142fs)

Gene: MSH3 (mutS homolog 3; plus strand). Cytogenetic location: 5q14.1.
Variant type: Duplication.
Coding change: c.424dup on transcript NM_002439.5 (MANE Select); coding-DNA position 424, one base duplicated (T; older notation c.424dupT).
Protein change: p.Cys142fs; shifts the reading frame from cysteine 142.
Molecular consequence: frameshift variant.
Genome position (GRCh38, 1-based): chr5:80,665,208, T duplicated. VCF-style (leftmost placement, unchanged base first): chr5-80665207-C-CT. GRCh37 (hg19) VCF-style: chr5-79961026-C-CT.
Other names: short protein forms C142fs.
Identifiers: ClinVar variation 2673544 (VCV002673544.1), dbSNP rs2546717409, ClinGen allele CA2695198641.
Genomic context (GRCh38, chr5:80,665,207, plus strand): 5'-AAAGAAATGTCTGAGGACCAGGAATGTTTCAAAGTCTCTGGAAAAATTGAAAGAATTCTG[C>CT]TGCGATTCTGCCCTTCCTCAAAGTAGAGTCCAGACAGAATCTCTGCAGGAGAGATTTGCA-3'

ClinVar aggregate classification (germline): Pathogenic (1 of 4 stars; one submission).

Conditions:
Familial adenomatous polyposis 4 (FAP4). Also called: MSH3-related attenuated familial adenomatous polyposis. Identifiers: Orphanet 480536, MedGen C4310719, MONDO:0044300, OMIM 617100.

Submission:

Myriad Genetics, Inc.
Classification: Pathogenic for Familial adenomatous polyposis 4. Last evaluated: 2023-08-29. Review status: criteria provided, single submitter. Criteria: Myriad Autosomal Dominant, Autosomal Recessive and X-Linked Classification Criteria (2023). Collection method: clinical testing. Allele origin: unknown.
Comment: This variant is considered pathogenic. This variant creates a frameshift predicted to result in premature protein truncation.